The following is an entry in ClinVar:

NM_000321.3(RB1):c.433G>T (p.Asp145Tyr)

Gene: RB1 (RB transcriptional corepressor 1; plus strand). Cytogenetic location: 13q14.2.
Variant type: single nucleotide variant.
Coding change: c.433G>T on transcript NM_000321.3 (MANE Select); coding-DNA position 433, G replaced by T.
Protein change: p.Asp145Tyr; replaces aspartic acid 145 with tyrosine.
Molecular consequence: missense variant.
Genome position (GRCh38, 1-based): chr13:48,345,132, G>T. VCF-style: chr13-48345132-G-T. GRCh37 (hg19) VCF-style: chr13-48919268-G-T.
Other names: c.433G>T, p.Asp145Tyr (NM_001407165.1, NM_001407166.1); short protein forms D145Y.
Identifiers: ClinVar variation 3074643 (VCV003074643.1), dbSNP rs2138087447, ClinGen allele CA388252710.

ClinVar aggregate classification (germline): Uncertain significance (1 of 4 stars; one submission).

Conditions:
Retinoblastoma (RB1). Also called: RETINOBLASTOMA, SOMATIC. Identifiers: Orphanet 790, MedGen C0035335, MeSH D012175, MONDO:0008380, OMIM 180200, HP:0009919. Disease mechanism: loss of function. Inheritance: Both sporadic and heritable forms are tested..

Submission:

All of Us Research Program, National Institutes of Health
Classification: Uncertain significance for Retinoblastoma. Last evaluated: 2023-11-20. Review status: criteria provided, single submitter. Criteria: ACMG Guidelines, 2015. Collection method: clinical testing. Allele origin: germline. Inheritance: Autosomal dominant inheritance. Observed: 1 variant allele, 1 heterozygote.
Comment: This missense variant replaces aspartic acid with tyrosine at codon 145 of the RB1 protein. Computational prediction is inconclusive regarding the impact of this variant on protein structure and function (internally defined REVEL score threshold 0.5 < inconclusive < 0.7, PMID: 27666373). To our knowledge, functional studies have not been reported for this variant. This variant has not been reported in individuals affected with RB1-related disorders in the literature. This variant has not been identified in the general population by the Genome Aggregation Database (gnomAD). The available evidence is insufficient to determine the role of this variant in disease conclusively. Therefore, this variant is classified as a Variant of Uncertain Significance.

This study involves interpretation of variants in research participants for the purpose of population health screening. Participant phenotype was not available at the time of variant classification. Additional details can be found in publication PMID: 35346344, PMCID: PMC8962531